The following is an entry in ClinVar:

ClinVar aggregate classification (germline): Pathogenic. Review status: criteria provided, multiple submitters, no conflicts (2 of 4 stars). 2 submissions from 2 submitters: Pathogenic (2). Last evaluated 2024-04-15.

Conditions:
Tuberous sclerosis 2 (TSC2). Identifiers: Orphanet 805, MedGen C1860707, MONDO:0013199, OMIM 613254.

Submissions (2):

GeneDx
Classification: Pathogenic. Last evaluated: 2024-04-15. Review status: criteria provided, single submitter. Criteria: GeneDx Variant Classification Process June 2021. Collection method: clinical testing. Allele origin: germline. Affected: yes.
Comment: Nonsense variant predicted to result in protein truncation or nonsense mediated decay in a gene for which loss of function is a known mechanism of disease; Not observed at significant frequency in large population cohorts (gnomAD); This variant is associated with the following publications: (PMID: 32964447)

Labcorp Genetics (formerly Invitae), Labcorp
Classification: Pathogenic for Tuberous sclerosis 2. Last evaluated: 2023-01-08. Review status: criteria provided, single submitter. Criteria: Invitae Variant Classification Sherloc (09022015). Collection method: clinical testing. Allele origin: germline.
Comment: For these reasons, this variant has been classified as Pathogenic. This premature translational stop signal has been observed in individual(s) with tuberous sclerosis (PMID: 32964447). This variant is not present in population databases (gnomAD no frequency). This sequence change creates a premature translational stop signal (p.Ser1254*) in the TSC2 gene. It is expected to result in an absent or disrupted protein product. Loss-of-function variants in TSC2 are known to be pathogenic (PMID: 10205261, 17304050).

Literature cited by the submitters: PubMed 32964447 (cited by Labcorp Genetics (formerly Invitae), Labcorp); PubMed 10205261 (cited by Labcorp Genetics (formerly Invitae), Labcorp); PubMed 17304050 (cited by Labcorp Genetics (formerly Invitae), Labcorp).

NM_000548.5(TSC2):c.3761C>A (p.Ser1254Ter)

Gene: TSC2 (TSC complex subunit 2; plus strand). Cytogenetic location: 16p13.3.
Variant type: single nucleotide variant.
Coding change: c.3761C>A on transcript NM_000548.5 (MANE Select); coding-DNA position 3761, C replaced by A.
Protein change: p.Ser1254Ter; replaces serine 1254 with a stop codon.
Molecular consequence: nonsense.
Genome position (GRCh38, 1-based): chr16:2,081,745, C>A. VCF-style: chr16-2081745-C-A. GRCh37 (hg19) VCF-style: chr16-2131746-C-A.
Other names: c.3611C>A, p.Ser1204Ter (NM_001406676.1); c.3572C>A, p.Ser1191Ter (NM_001406677.1); c.3518C>A, p.Ser1173Ter (NM_001406678.1); c.3482C>A, p.Ser1161Ter (NM_001406679.1); c.3161C>A, p.Ser1054Ter (NM_001406680.1, NM_001406682.1, NM_001406683.1); c.3170C>A, p.Ser1057Ter (NM_001406681.1); c.3158C>A, p.Ser1053Ter (NM_001406684.1); c.3032C>A, p.Ser1011Ter (NM_001406685.1, NM_001406686.1); and 18 more; short protein forms S1010*, S1054*, S1162*, S1191*, S1217*, S1253*, S1210*, S1211*.
Identifiers: ClinVar variation 2098888 (VCV002098888.5), dbSNP rs1596400563, ClinGen allele CA394293204.